The following is an entry in ClinVar:

ClinVar aggregate classification (germline): Uncertain significance. Review status: criteria provided, multiple submitters, no conflicts (2 of 4 stars). 2 submissions from 2 submitters: Uncertain significance (2). Last evaluated 2024-10-30.

Conditions:
Inborn genetic diseases. Identifiers: MedGen C0950123, MeSH D030342.

Allele frequency attached by ClinVar (database versions not stated): gnomAD exomes 0.00001; TOPMed below 0.00001; gnomAD 0.00001; ExAC 0.00006.

Submissions (2):

Mayo Clinic Laboratories, Mayo Clinic
Classification: Uncertain significance. Last evaluated: 2024-10-30. Review status: criteria provided, single submitter. Criteria: ACMG Guidelines, 2015. Collection method: clinical testing. Allele origin: germline. Observed: 1 variant allele.
Comment: PM2_supporting

Ambry Genetics
Classification: Uncertain significance for Inborn genetic diseases. Last evaluated: 2021-08-02. Review status: criteria provided, single submitter. Criteria: Ambry Variant Classification Scheme 2023. Collection method: clinical testing. Allele origin: germline.

NM_000289.6(PFKM):c.1619T>C (p.Val540Ala)

Gene: PFKM (phosphofructokinase, muscle; plus strand). Cytogenetic location: 12q13.11.
Variant type: single nucleotide variant.
Coding change: c.1619T>C on transcript NM_000289.6 (MANE Select); coding-DNA position 1619, T replaced by C.
Protein change: p.Val540Ala; replaces valine 540 with alanine.
Molecular consequence: missense variant. On other transcripts: non-coding transcript variant (6).
Genome position (GRCh38, 1-based): chr12:48,142,032, T>C. VCF-style: chr12-48142032-T-C. GRCh37 (hg19) VCF-style: chr12-48535815-T-C.
Other names: p.Val540Ala; c.1832T>C, p.Val611Ala (NM_001166686.2, NM_001354737.1, NM_001354738.1 and 1 more transcripts); c.1619T>C, p.Val540Ala (NM_001166687.2, NM_001166688.2, NM_001354742.2 and 2 more transcripts); c.1928T>C, p.Val643Ala (NM_001354735.1, NM_001354736.1); c.1763T>C, p.Val588Ala (NM_001354740.1); c.1643T>C, p.Val548Ala (NM_001354741.2); c.1532T>C, p.Val511Ala (NM_001354745.2); c.1493T>C, p.Val498Ala (NM_001354746.2); and 2 more; short protein forms V511A, V498A, V540A, V548A, V643A, V490A, V509A, V588A.
Identifiers: ClinVar variation 2240784 (VCV002240784.3), dbSNP rs762807629, ClinGen allele CA6537402.